The following is an entry in ClinVar:

ClinVar aggregate classification (germline): Likely pathogenic (1 of 4 stars; one submission).

Submission:

Dasa
Classification: Likely pathogenic. Last evaluated: 2025-04-03. Review status: criteria provided, single submitter. Criteria: DASA Assertion Criteria. Collection method: clinical testing. Allele origin: germline.
Comment: NM_001165963.4(SCN1A):c.5365T>C (p.Phe1789Leu) is a missense variant that results in the substitution of phenylalanine with leucine. The affected residue or protein region has prior evidence supporting clinical relevance. This variant is absent from population databases. Computational evidence supports a deleterious effect. Based on the currently available evidence, this variant is classified as likely pathogenic.

NM_001165963.4(SCN1A):c.5365T>C (p.Phe1789Leu)

Genes: SCN1A (sodium voltage-gated channel alpha subunit 1; minus strand), LOC102724058 (uncharacterized LOC102724058; plus strand). Cytogenetic location: 2q24.3.
Variant type: single nucleotide variant.
Coding change: c.5365T>C on transcript NM_001165963.4 (MANE Select); coding-DNA position 5365, T replaced by C.
Protein change: p.Phe1789Leu; replaces phenylalanine 1789 with leucine.
Molecular consequence: missense variant. On other transcripts: non-coding transcript variant (1).
Genome position (GRCh38, 1-based): chr2:165,991,910, A>G on the plus strand (T>C on the coding strand, the complement: SCN1A is on the minus strand). VCF-style: chr2-165991910-A-G. GRCh37 (hg19) VCF-style: chr2-166848420-A-G.
Other names: c.5329T>C, p.Phe1777Leu (NM_001353954.2, NM_001353955.2); c.5281T>C, p.Phe1761Leu (NM_001353957.2, NM_001353958.2, NM_001165964.3); c.5278T>C, p.Phe1760Leu (NM_001353960.2); c.2923T>C, p.Phe975Leu (NM_001353961.2); c.5332T>C, p.Phe1778Leu (NM_006920.6, NM_001353949.2, NM_001353950.2 and 2 more transcripts); c.5365T>C, p.Phe1789Leu (NM_001202435.3, NM_001353948.2); short protein forms F1760L, F1761L, F1777L, F1778L, F1789L, F975L.
Identifiers: ClinVar variation 4882014 (VCV004882014.2).